The following is an entry in ClinVar:

ClinVar aggregate classification (germline): Likely pathogenic (1 of 4 stars; one submission).

Conditions:
CDK5RAP2-related disorder. Also called: CDK5RAP2-related condition.

gnomAD v4.1: 12 of 1,611,908 alleles (0.00074%); highest among the groups gnomAD compares: South Asian, 0.0055%; no homozygotes.

Submission:

PreventionGenetics, part of Exact Sciences
Classification: Likely pathogenic for CDK5RAP2-related condition. Last evaluated: 2026-06-08. Review status: criteria provided, single submitter. Criteria: ACMG Guidelines, 2015. Collection method: clinical testing. Allele origin: germline.
Comment: The CDK5RAP2 c.127+1G>A variant is predicted to disrupt the GT donor site and interfere with normal splicing. To our knowledge, this variant has not been reported in the literature. This variant is reported in 0.0098% of alleles in individuals of South Asian descent in gnomAD. Variants that disrupt the consensus splice donor site in CDK5RAP2 are expected to be pathogenic. This variant is interpreted as likely pathogenic.

NM_018249.6(CDK5RAP2):c.127+1G>A

Gene: CDK5RAP2 (CDK5 regulatory subunit associated protein 2; minus strand). Cytogenetic location: 9q33.2.
Variant type: single nucleotide variant.
Coding change: c.127+1G>A on transcript NM_018249.6 (MANE Select); the canonical splice donor site of the intron after coding-DNA position 127, G replaced by A.
Molecular consequence: splice donor variant.
Genome position (GRCh38, 1-based): chr9:120,571,973, C>T on the plus strand (G>A on the coding strand, the complement: CDK5RAP2 is on the minus strand). VCF-style: chr9-120571973-C-T. GRCh37 (hg19) VCF-style: chr9-123334251-C-T.
Other names: c.127+1G>A (NM_001272039.2, NM_001410992.1, NM_001410994.1 and 2 more transcripts).
Identifiers: ClinVar variation 4982917 (VCV004982917.1).